The following is an entry in ClinVar:

NM_004415.4(DSP):c.4780C>G (p.Leu1594Val)

Gene: DSP (desmoplakin; plus strand). Cytogenetic location: 6p24.3.
Variant type: single nucleotide variant.
Coding change: c.4780C>G on transcript NM_004415.4 (MANE Select); coding-DNA position 4780, C replaced by G.
Protein change: p.Leu1594Val; replaces leucine 1594 with valine.
Molecular consequence: missense variant. On other transcripts: intron variant (2).
Genome position (GRCh38, 1-based): chr6:7,580,970, C>G. VCF-style: chr6-7580970-C-G. GRCh37 (hg19) VCF-style: chr6-7581203-C-G.
Other names: c.4050+730C>G (NM_001319034.2); c.3582+1198C>G (NM_001008844.3); short protein forms L1594V.
Identifiers: ClinVar variation 1519171 (VCV001519171.5), dbSNP rs149463707, ClinGen allele CA362687140.

ClinVar aggregate classification (germline): Uncertain significance. Review status: criteria provided, multiple submitters, no conflicts (2 of 4 stars). 2 submissions from 2 submitters: Uncertain significance (2). Last evaluated 2022-04-03.

Conditions:
Arrhythmogenic right ventricular dysplasia 8 (ARVD8). Also called: Arrhythmogenic Right Ventricular Dysplasia/Cardiomyopathy 8; ARRHYTHMOGENIC RIGHT VENTRICULAR DYSPLASIA, FAMILIAL, 8; ARRHYTHMOGENIC RIGHT VENTRICULAR CARDIOMYOPATHY 8. Identifiers: MedGen C1843896, MONDO:0011831, OMIM 607450.
Arrhythmogenic cardiomyopathy with wooly hair and keratoderma. Also called: Dilated cardiomyopathy with woolly hair and keratoderma; Carvajal syndrome; Arrhythmogenic cardiomyopathy with woolly hair and keratoderma; PALMOPLANTAR KERATODERMA WITH LEFT VENTRICULAR CARDIOMYOPATHY AND WOOLLY HAIR. Identifiers: Orphanet 65282, MedGen C1854063, MONDO:0011581, OMIM 605676.
Cardiovascular phenotype. Identifiers: MedGen CN230736.

Submissions (2):

Labcorp Genetics (formerly Invitae), Labcorp
Classification: Uncertain significance for Arrhythmogenic cardiomyopathy with wooly hair and keratoderma; Arrhythmogenic right ventricular dysplasia 8. Last evaluated: 2022-04-03. Review status: criteria provided, single submitter. Criteria: Invitae Variant Classification Sherloc (09022015). Collection method: clinical testing. Allele origin: germline.
Comment: This sequence change replaces leucine, which is neutral and non-polar, with valine, which is neutral and non-polar, at codon 1594 of the DSP protein (p.Leu1594Val). This variant is not present in population databases (gnomAD no frequency). This variant has not been reported in the literature in individuals affected with DSP-related conditions. Algorithms developed to predict the effect of missense changes on protein structure and function (SIFT, PolyPhen-2, Align-GVGD) all suggest that this variant is likely to be tolerated. Algorithms developed to predict the effect of sequence changes on RNA splicing suggest that this variant may create or strengthen a splice site. In summary, the available evidence is currently insufficient to determine the role of this variant in disease. Therefore, it has been classified as a Variant of Uncertain Significance.

Ambry Genetics
Classification: Uncertain significance for Cardiovascular phenotype. Last evaluated: 2022-01-07. Review status: criteria provided, single submitter. Criteria: Ambry Variant Classification Scheme 2023. Collection method: clinical testing. Allele origin: germline.
Comment: The p.L1594V variant (also known as c.4780C>G), located in coding exon 23 of the DSP gene, results from a C to G substitution at nucleotide position 4780. The leucine at codon 1594 is replaced by valine, an amino acid with highly similar properties. This amino acid position is conserved. In addition, this alteration is predicted to be tolerated by in silico analysis. Since supporting evidence is limited at this time, the clinical significance of this alteration remains unclear.